The following is an entry in ClinVar:

ClinVar aggregate classification (germline): Uncertain significance (1 of 4 stars; one submission).

Conditions:
Nance-Horan syndrome (NHS). Identifiers: Orphanet 627, MedGen C0796085, MONDO:0010545, OMIM 302350.

Allele frequency attached by ClinVar (database versions not stated): ExAC 0.00001.

Submission:

Labcorp Genetics (formerly Invitae), Labcorp
Classification: Uncertain significance for Nance-Horan syndrome. Last evaluated: 2022-06-14. Review status: criteria provided, single submitter. Criteria: Invitae Variant Classification Sherloc (09022015). Collection method: clinical testing. Allele origin: germline.
Comment: This sequence change replaces glutamic acid, which is acidic and polar, with lysine, which is basic and polar, at codon 1375 of the NHS protein (p.Glu1375Lys). This variant is present in population databases (rs751912399, gnomAD 0.005%), including at least one homozygous and/or hemizygous individual. This variant has not been reported in the literature in individuals affected with NHS-related conditions. Algorithms developed to predict the effect of missense changes on protein structure and function are either unavailable or do not agree on the potential impact of this missense change (SIFT: "Deleterious"; PolyPhen-2: "Possibly Damaging"; Align-GVGD: "Class C0"). In summary, the available evidence is currently insufficient to determine the role of this variant in disease. Therefore, it has been classified as a Variant of Uncertain Significance.

NM_001291867.2(NHS):c.4186G>A (p.Glu1396Lys)

Gene: NHS (NHS actin remodeling regulator; plus strand). Cytogenetic location: Xp22.13.
Variant type: single nucleotide variant.
Coding change: c.4186G>A on transcript NM_001291867.2 (MANE Select); coding-DNA position 4186, G replaced by A.
Protein change: p.Glu1396Lys; replaces glutamic acid 1396 with lysine.
Molecular consequence: missense variant.
Genome position (GRCh38, 1-based): chrX:17,728,292, G>A. VCF-style: chrX-17728292-G-A. GRCh37 (hg19) VCF-style: chrX-17746412-G-A.
Other names: c.3655G>A, p.Glu1219Lys (NM_001136024.4); c.3592G>A, p.Glu1198Lys (NM_001291868.2); c.4123G>A, p.Glu1375Lys (NM_198270.4); short protein forms E1396K, E1219K, E1375K, E1198K.
Identifiers: ClinVar variation 1914521 (VCV001914521.5), dbSNP rs751912399, ClinGen allele CA10358891.
Genomic context (GRCh38, chrX:17,728,292, plus strand): 5'-CAGGAAAATATTGCTTCAGGTATTTCAGCCAAAAGTGCCTCTGATAACAGCAAAGCAGAG[G>A]AGACCCAAGGAAATGTGGATGAGGCTTCATTGAAAGGTCAGTCACTGATAACTTTGTCAT-3'
Protein context (NP_001278796.1, residues 1386-1406): KSASDNSKAE[Glu1396Lys]TQGNVDEASL